The following is an entry in ClinVar:

NM_014727.3(KMT2B):c.3878G>C (p.Arg1293Pro)

Gene: KMT2B (lysine methyltransferase 2B; plus strand). Cytogenetic location: 19q13.12.
Variant type: single nucleotide variant.
Coding change: c.3878G>C on transcript NM_014727.3 (MANE Select); coding-DNA position 3878, G replaced by C.
Protein change: p.Arg1293Pro; replaces arginine 1293 with proline.
Molecular consequence: missense variant.
Genome position (GRCh38, 1-based): chr19:35,725,811, G>C. VCF-style: chr19-35725811-G-C. GRCh37 (hg19) VCF-style: chr19-36216712-G-C.
Other names: short protein forms R1293P.
Identifiers: ClinVar variation 1307346 (VCV001307346.2), dbSNP rs780411851, ClinGen allele CA9384898.

ClinVar aggregate classification (germline): Uncertain significance (1 of 4 stars; one submission).

gnomAD v4.1: 3 of 1,573,772 alleles (0.00019%); highest among the groups gnomAD compares: African/African-American, 0.0041%; no homozygotes.

Submission:

GeneDx
Classification: Uncertain significance. Last evaluated: 2019-08-06. Review status: criteria provided, single submitter. Criteria: GeneDx Variant Classification Process June 2021. Collection method: clinical testing. Allele origin: germline. Affected: yes.
Comment: Not observed at a significant frequency in large population cohorts (Lek et al., 2016); In silico analysis, which includes protein predictors and evolutionary conservation, supports a deleterious effect; Has not been previously published as pathogenic or benign to our knowledge